The following is an entry in ClinVar:

ClinVar aggregate classification (germline): Uncertain significance (1 of 4 stars; one submission).

Allele frequency attached by ClinVar (database versions not stated): gnomAD exomes below 0.00001; gnomAD 0.00001.
gnomAD v4.1: 2 of 1,614,046 alleles (0.00012%); highest among the groups gnomAD compares: Admixed American, 0.0033%; no homozygotes.

Submission:

Labcorp Genetics (formerly Invitae), Labcorp
Classification: Uncertain significance. Last evaluated: 2023-11-13. Review status: criteria provided, single submitter. Criteria: Invitae Variant Classification Sherloc (09022015). Collection method: clinical testing. Allele origin: germline.
Comment: This sequence change replaces serine, which is neutral and polar, with arginine, which is basic and polar, at codon 567 of the CNGA1 protein (p.Ser567Arg). This variant is present in population databases (no rsID available, gnomAD 0.003%). This variant has not been reported in the literature in individuals affected with CNGA1-related conditions. ClinVar contains an entry for this variant (Variation ID: 1929980). An algorithm developed to predict the effect of missense changes on protein structure and function (PolyPhen-2) suggests that this variant is likely to be disruptive. In summary, the available evidence is currently insufficient to determine the role of this variant in disease. Therefore, it has been classified as a Variant of Uncertain Significance.

NM_001379270.1(CNGA1):c.1689T>G (p.Ser563Arg)

Genes: CNGA1 (cyclic nucleotide gated channel subunit alpha 1; minus strand), LOC101927157 (uncharacterized LOC101927157; plus strand). Cytogenetic location: 4p12.
Variant type: single nucleotide variant.
Coding change: c.1689T>G on transcript NM_001379270.1 (MANE Select); coding-DNA position 1689, T replaced by G.
Protein change: p.Ser563Arg; replaces serine 563 with arginine.
Molecular consequence: missense variant.
Genome position (GRCh38, 1-based): chr4:47,936,793, A>C on the plus strand (T>G on the coding strand, the complement: CNGA1 is on the minus strand). VCF-style: chr4-47936793-A-C. GRCh37 (hg19) VCF-style: chr4-47938810-A-C.
Other names: c.1689T>G, p.Ser563Arg (NM_000087.5, NM_001142564.2); short protein forms S563R.
Identifiers: ClinVar variation 1929980 (VCV001929980.5), dbSNP rs1346695256, ClinGen allele CA356824399.